The following is an entry in ClinVar:

NM_004341.5(CAD):c.1633G>A (p.Ala545Thr)

Gene: CAD (carbamoyl-phosphate synthetase 2, aspartate transcarbamylase, and dihydroorotase; plus strand). Cytogenetic location: 2p23.3.
Variant type: single nucleotide variant.
Coding change: c.1633G>A on transcript NM_004341.5 (MANE Select); coding-DNA position 1633, G replaced by A.
Protein change: p.Ala545Thr; replaces alanine 545 with threonine.
Molecular consequence: missense variant.
Genome position (GRCh38, 1-based): chr2:27,225,717, G>A. VCF-style: chr2-27225717-G-A. GRCh37 (hg19) VCF-style: chr2-27448585-G-A.
Other names: c.1633G>A, p.Ala545Thr (NM_001306079.2); short protein forms A545T.
Identifiers: ClinVar variation 1376758 (VCV001376758.4), dbSNP rs370814804, ClinGen allele CA1572794.

ClinVar aggregate classification (germline): Uncertain significance (1 of 4 stars; one submission).

Allele frequency attached by ClinVar (database versions not stated): gnomAD exomes 0.00001; TOPMed 0.00001; ExAC 0.00002; ESP Exome Variant Server 0.00008.
gnomAD v4.1: 17 of 1,613,742 alleles (0.0011%); highest among the groups gnomAD compares: Non-Finnish European, 0.0014%; no homozygotes.

Submission:

Labcorp Genetics (formerly Invitae), Labcorp
Classification: Uncertain significance. Last evaluated: 2021-11-28. Review status: criteria provided, single submitter. Criteria: Invitae Variant Classification Sherloc (09022015). Collection method: clinical testing. Allele origin: germline.
Comment: In summary, the available evidence is currently insufficient to determine the role of this variant in disease. Therefore, it has been classified as a Variant of Uncertain Significance. Algorithms developed to predict the effect of missense changes on protein structure and function are either unavailable or do not agree on the potential impact of this missense change (SIFT: "Deleterious"; PolyPhen-2: "Possibly Damaging"; Align-GVGD: "Class C0"). This variant has not been reported in the literature in individuals affected with CAD-related conditions. This variant is present in population databases (rs370814804, gnomAD 0.003%). This sequence change replaces alanine, which is neutral and non-polar, with threonine, which is neutral and polar, at codon 545 of the CAD protein (p.Ala545Thr).